The following is an entry in ClinVar:

ClinVar aggregate classification (germline): Pathogenic (1 of 4 stars; one submission).

Allele frequency attached by ClinVar (database versions not stated): ExAC 0.00001.

Submission:

Labcorp Genetics (formerly Invitae), Labcorp
Classification: Pathogenic. Last evaluated: 2021-03-09. Review status: criteria provided, single submitter. Criteria: Invitae Variant Classification Sherloc (09022015). Collection method: clinical testing. Allele origin: germline.
Comment: For these reasons, this variant has been classified as Pathogenic. This variant has been observed in individual(s) with molybdenum cofactor deficiency (PMID: 12754701). The frequency data for this variant in the population databases is considered unreliable, as metrics indicate poor data quality at this position in the ExAC database. This sequence change creates a premature translational stop signal (p.Gln36*) in the MOCS2A gene. It is expected to result in an absent or disrupted protein product. Loss-of-function variants in MOCS2A are known to be pathogenic (PMID: 21031595).

Literature cited by the submitters: PubMed 12754701; PubMed 21031595.

NM_176806.4(MOCS2):c.106C>T (p.Gln36Ter)

Gene: MOCS2 (molybdenum cofactor synthesis 2; minus strand). Cytogenetic location: 5q11.2.
Variant type: single nucleotide variant.
Coding change: c.106C>T on transcript NM_176806.4 (MANE Plus Clinical); coding-DNA position 106, C replaced by T.
Protein change: p.Gln36Ter; replaces glutamine 36 with a stop codon.
Molecular consequence: nonsense. On other transcripts: 5 prime UTR variant (1).
Genome position (GRCh38, 1-based): chr5:53,108,556, G>A on the plus strand (C>T on the coding strand, the complement: MOCS2 is on the minus strand). VCF-style: chr5-53108556-G-A. GRCh37 (hg19) VCF-style: chr5-52404386-G-A.
Other names: c.-82C>T (NM_004531.5); short protein forms Q36*.
Identifiers: ClinVar variation 1451432 (VCV001451432.8), dbSNP rs760415988, ClinGen allele CA3263801.